The following is an entry in ClinVar:

ClinVar aggregate classification (germline): Likely pathogenic. Review status: criteria provided, multiple submitters, no conflicts (2 of 4 stars). 2 submissions from 2 submitters: Likely pathogenic (2). Last evaluated 2025-07-07.

Conditions:
Cholesteryl ester storage disease (CESD). Also called: Childhood/Adult-Onset LAL-D (Cholesterol Ester Storage Disease [CESD]). Identifiers: Orphanet 75234, MedGen C0008384, MONDO:0019149, OMIM 278000.
Lysosomal acid lipase deficiency. Also called: Acid cholesteryl ester hydrolase deficiency, type 2. Identifiers: Orphanet 275761, MedGen C5574740, MONDO:0800449, MONDO:0010204.

Allele frequency attached by ClinVar (database versions not stated): gnomAD exomes 0.00001.
gnomAD v4.1: 10 of 1,614,128 alleles (0.00062%); highest among the groups gnomAD compares: Non-Finnish European, 0.00085%; no homozygotes.

Submissions (2):

Women's Health and Genetics/Laboratory Corporation of America, LabCorp
Classification: Likely pathogenic for Cholesteryl ester storage disease. Last evaluated: 2025-07-07. Review status: criteria provided, single submitter. Criteria: LabCorp Variant Classification Summary - May 2015. Collection method: clinical testing. Allele origin: germline.
Comment: Variant summary: LIPA c.377C>T (p.Ser126Phe) results in a non-conservative amino acid change in the encoded protein sequence. Algorithms developed to predict the effect of missense changes on protein structure and function all suggest that this variant is likely to be disruptive. The variant was absent in 251452 control chromosomes. c.377C>T has been observed in individuals affected with Cholesteryl ester storage disease. These report(s) do not provide unequivocal conclusions about association of the variant with Lysosomal acid lipase deficiency (Carter_2018, Cappuccio_2019, Del Angel_2019). At least one publication reports experimental evidence evaluating an impact on protein function. The most pronounced variant effect results in <10% of normal activity (Del Angel_2019). The following publications have been ascertained in the context of this evaluation (PMID: 30684275, 30315827, 31180157). ClinVar contains an entry for this variant (Variation ID: 695057). Based on the evidence outlined above, the variant was classified as likely pathogenic.

Alexion, Astrazeneca Rare Disease, Astrazeneca
Classification: Likely pathogenic for Lysosomal acid lipase deficiency. Last evaluated: 2019-06-01. Review status: criteria provided, single submitter. Criteria: ACMG Guidelines, 2015. Collection method: research. Allele origin: germline. Affected: yes.
Comment: ACMG PS3 criterion ascertained by in-vitro functional study, PMID:31180157

Literature cited by the submitters: PubMed 30684275 (cited by Women's Health and Genetics/Laboratory Corporation of America, LabCorp); PubMed 31180157 (cited by Women's Health and Genetics/Laboratory Corporation of America, LabCorp and Alexion, Astrazeneca Rare Disease, Astrazeneca); PubMed 30315827 (cited by Women's Health and Genetics/Laboratory Corporation of America, LabCorp).

NM_000235.4(LIPA):c.377C>T (p.Ser126Phe)

Gene: LIPA (lipase A, lysosomal acid type; minus strand). Cytogenetic location: 10q23.31.
Variant type: single nucleotide variant.
Coding change: c.377C>T on transcript NM_000235.4 (MANE Select); coding-DNA position 377, C replaced by T.
Protein change: p.Ser126Phe; replaces serine 126 with phenylalanine.
Molecular consequence: missense variant.
Genome position (GRCh38, 1-based): chr10:89,228,251, G>A on the plus strand (C>T on the coding strand, the complement: LIPA is on the minus strand). VCF-style: chr10-89228251-G-A. GRCh37 (hg19) VCF-style: chr10-90988008-G-A.
Other names: c.377C>T, p.Ser126Phe (NM_001127605.3); c.29C>T, p.Ser10Phe (NM_001288979.2); short protein forms S126F, S10F.
Identifiers: ClinVar variation 695057 (VCV000695057.3), dbSNP rs1589558169, ClinGen allele CA377517834.